The following is an entry in ClinVar:

NM_000179.3(MSH6):c.3947_3951dup (p.Arg1318fs)

Gene: MSH6 (mutS homolog 6; plus strand). Cytogenetic location: 2p16.3.
Variant type: Duplication.
Coding change: c.3947_3951dup on transcript NM_000179.3 (MANE Select); coding-DNA positions 3947 to 3951, 5 bases duplicated (GACAT; older notation c.3947_3951dupGACAT).
Protein change: p.Arg1318fs; shifts the reading frame from arginine 1318.
Molecular consequence: frameshift variant. On other transcripts: non-coding transcript variant (5), intron variant (1).
Genome position (GRCh38, 1-based): chr2:47,806,597-47,806,601, GACAT duplicated. VCF-style (leftmost placement, unchanged base first): chr2-47806596-G-GGACAT. GRCh37 (hg19) VCF-style: chr2-48033735-G-GGACAT.
Other names: c.3557_3561dup, p.Arg1188fs (NM_001281492.2); c.3041_3045dup, p.Arg1016fs (NM_001281493.2, NM_001281494.2, NM_001406811.1 and 6 more transcripts); c.4043_4047dup, p.Arg1350fs (NM_001406795.1); c.3947_3951dup, p.Arg1318fs (NM_001406796.1, NM_001406808.1, NM_001406809.1); c.3650_3654dup, p.Arg1219fs (NM_001406797.1, NM_001406801.1, NM_001406805.1 and 10 more transcripts); c.3773_3777dup, p.Arg1260fs (NM_001406798.1); c.3422_3426dup, p.Arg1143fs (NM_001406799.1, NM_001406806.1, NM_001406807.1); c.3934_3938dup, p.Ile1313fs (NM_001406800.1); and 9 more; short protein forms I1313fs, R1016fs, R1030fs, R1143fs, R1188fs, R1219fs, R1260fs, R1262fs.
Identifiers: ClinVar variation 2673759 (VCV002673759.1), dbSNP rs2530873724, ClinGen allele CA2695200522.

ClinVar aggregate classification (germline): Pathogenic (1 of 4 stars; one submission).

Conditions:
Lynch syndrome 5 (LYNCH5). Also called: Colorectal cancer, hereditary nonpolyposis, type 5; Hereditary non-polyposis colorectal cancer, type 5. Identifiers: Orphanet 144, MedGen C1833477, MONDO:0013710, OMIM 614350. Disease mechanism: loss of function.

Submission:

Myriad Genetics, Inc.
Classification: Pathogenic for Lynch syndrome 5. Last evaluated: 2023-08-28. Review status: criteria provided, single submitter. Criteria: Myriad Autosomal Dominant, Autosomal Recessive and X-Linked Classification Criteria (2023). Collection method: clinical testing. Allele origin: unknown.
Comment: This variant is considered pathogenic. This variant creates a frameshift predicted to result in premature protein truncation.